The following is an entry in ClinVar:

ClinVar aggregate classification (germline): Uncertain significance. Review status: criteria provided, multiple submitters, no conflicts (2 of 4 stars). 2 submissions from 2 submitters: Uncertain significance (2). Last evaluated 2025-06-23.

Conditions:
Inborn genetic diseases. Identifiers: MedGen C0950123, MeSH D030342.

Allele frequency attached by ClinVar (database versions not stated): gnomAD 0.00002; TOPMed 0.00002; ExAC 0.00005.
gnomAD v4.1: 27 of 1,613,670 alleles (0.0017%); highest among the groups gnomAD compares: Non-Finnish European, 0.0017%; no homozygotes.

Submissions (2):

Ambry Genetics
Classification: Uncertain significance for Inborn genetic diseases. Last evaluated: 2025-06-23. Review status: criteria provided, single submitter. Criteria: Ambry Variant Classification Scheme 2023. Collection method: clinical testing. Allele origin: germline.

Labcorp Genetics (formerly Invitae), Labcorp
Classification: Uncertain significance. Last evaluated: 2022-08-15. Review status: criteria provided, single submitter. Criteria: Invitae Variant Classification Sherloc (09022015). Collection method: clinical testing. Allele origin: germline.
Comment: This sequence change replaces leucine, which is neutral and non-polar, with phenylalanine, which is neutral and non-polar, at codon 313 of the CSGALNACT1 protein (p.Leu313Phe). In summary, the available evidence is currently insufficient to determine the role of this variant in disease. Therefore, it has been classified as a Variant of Uncertain Significance. Algorithms developed to predict the effect of missense changes on protein structure and function are either unavailable or do not agree on the potential impact of this missense change (SIFT: "Tolerated"; PolyPhen-2: "Probably Damaging"; Align-GVGD: "Class C0"). This variant has not been reported in the literature in individuals affected with CSGALNACT1-related conditions. This variant is present in population databases (rs199776200, gnomAD 0.009%).

NM_001354483.2(CSGALNACT1):c.937C>T (p.Leu313Phe)

Gene: CSGALNACT1 (chondroitin sulfate N-acetylgalactosaminyltransferase 1; minus strand). Cytogenetic location: 8p21.3.
Variant type: single nucleotide variant.
Coding change: c.937C>T on transcript NM_001354483.2 (MANE Select); coding-DNA position 937, C replaced by T.
Protein change: p.Leu313Phe; replaces leucine 313 with phenylalanine.
Molecular consequence: missense variant. On other transcripts: non-coding transcript variant (7).
Genome position (GRCh38, 1-based): chr8:19,439,846, G>A on the plus strand (C>T on the coding strand, the complement: CSGALNACT1 is on the minus strand). VCF-style: chr8-19439846-G-A. GRCh37 (hg19) VCF-style: chr8-19297357-G-A.
Other names: c.937C>T, p.Leu313Phe (NM_001130518.2, NM_001354475.2, NM_001354476.2 and 18 more transcripts); c.937C>T (NM_001130518.1); short protein forms L313F.
Identifiers: ClinVar variation 1916060 (VCV001916060.6), dbSNP rs199776200, ClinGen allele CA4653972.